The following is an entry in ClinVar:

ClinVar aggregate classification (germline): Uncertain significance. Review status: criteria provided, multiple submitters, no conflicts (2 of 4 stars). 2 submissions from 2 submitters: Uncertain significance (2). Last evaluated 2022-01-04.

Conditions:
Nemaline myopathy 2 (NEM2). Also called: Nemaline myopathy 2, autosomal recessive. Identifiers: MedGen C1850569, MONDO:0009725, OMIM 256030.

Allele frequency attached by ClinVar (database versions not stated): gnomAD exomes 0.00001; ExAC 0.00002.
gnomAD v4.1: 22 of 1,613,654 alleles (0.0014%); highest among the groups gnomAD compares: Non-Finnish European, 0.0018%; no homozygotes.

Submissions (2):

Labcorp Genetics (formerly Invitae), Labcorp
Classification: Uncertain significance for Nemaline myopathy 2. Last evaluated: 2022-01-04. Review status: criteria provided, single submitter. Criteria: Invitae Variant Classification Sherloc (09022015). Collection method: clinical testing. Allele origin: germline.
Comment: This sequence change replaces tyrosine, which is neutral and polar, with histidine, which is basic and polar, at codon 7118 of the NEB protein (p.Tyr7118His). This variant is present in population databases (rs766163199, gnomAD 0.003%). This variant has not been reported in the literature in individuals affected with NEB-related conditions. Algorithms developed to predict the effect of missense changes on protein structure and function are either unavailable or do not agree on the potential impact of this missense change (SIFT: "Deleterious"; PolyPhen-2: "Not Available"; Align-GVGD: "Class C0"). In summary, the available evidence is currently insufficient to determine the role of this variant in disease. Therefore, it has been classified as a Variant of Uncertain Significance.

Revvity Omics, Revvity
Classification: Uncertain significance. Last evaluated: 2019-08-16. Review status: criteria provided, single submitter. Criteria: ACMG Guidelines, 2015. Collection method: clinical testing. Allele origin: germline.

NM_001164507.2(NEB):c.21352T>C (p.Tyr7118His)

Genes: NEB (nebulin; minus strand), RIF1 (replication timing regulatory factor 1; plus strand). Cytogenetic location: 2q23.3.
Variant type: single nucleotide variant.
Coding change: c.21352T>C on transcript NM_001164507.2 (MANE Plus Clinical); coding-DNA position 21352, T replaced by C.
Protein change: p.Tyr7118His; replaces tyrosine 7118 with histidine.
Molecular consequence: missense variant. On other transcripts: intron variant (1).
Genome position (GRCh38, 1-based): chr2:151,534,280, A>G on the plus strand (T>C on the coding strand, the complement: NEB is on the minus strand). VCF-style: chr2-151534280-A-G. GRCh37 (hg19) VCF-style: chr2-152390794-A-G.
Other names: c.21352T>C, p.Tyr7118His (NM_001271208.2); c.16249T>C, p.Tyr5417His (NM_004543.5); c.21313-734T>C (NM_001164508.2); short protein forms Y5417H, Y7118H.
Identifiers: ClinVar variation 2043203 (VCV002043203.4), dbSNP rs766163199, ClinGen allele CA1907003.